The following is an entry in ClinVar:

NM_182760.4(SUMF1):c.1076C>A (p.Ser359Ter)

Gene: SUMF1 (sulfatase modifying factor 1; minus strand). Cytogenetic location: 3p26.1.
Variant type: single nucleotide variant.
Coding change: c.1076C>A on transcript NM_182760.4 (MANE Select); coding-DNA position 1076, C replaced by A.
Protein change: p.Ser359Ter; replaces serine 359 with a stop codon.
Molecular consequence: nonsense.
Genome position (GRCh38, 1-based): chr3:4,362,193, G>T on the plus strand (C>A on the coding strand, the complement: SUMF1 is on the minus strand). VCF-style: chr3-4362193-G-T. GRCh37 (hg19) VCF-style: chr3-4403877-G-T.
Other names: c.1076C>A (NM_182760.3); c.1001C>A, p.Ser334Ter (NM_001164674.2); c.1016C>A, p.Ser339Ter (NM_001164675.2); short protein forms S359*, S339*, S334*.
Identifiers: ClinVar variation 2664 (VCV000002664.3), dbSNP rs137852844, ClinGen allele CA115667.

ClinVar aggregate classification (germline): Pathogenic/Likely pathogenic. Review status: criteria provided, multiple submitters, no conflicts (2 of 4 stars). 4 submissions from 4 submitters: Pathogenic (1); Likely pathogenic (2). 1 of the submissions does not count toward it. Last evaluated 2025-09-16.

Conditions:
Multiple sulfatase deficiency (MSD). Also called: Multiple Sulfatase Deficiency Disease; Mucosulfatidosis; Sulfatidosis, Juvenile, Austin Type. Identifiers: Orphanet 585, MedGen C0268263, MONDO:0010088, OMIM 272200.

gnomAD v4.1: 1 of 1,614,194 alleles (0.000062%); no homozygotes.

Submissions (4):

First Genomix Gene Laboratory, Genetic Diagnostics Department
Classification: Pathogenic for Multiple sulfatase deficiency. Last evaluated: 2025-09-16. Review status: criteria provided, single submitter. Criteria: ACMG Guidelines, 2015. Collection method: clinical testing. Allele origin: germline. Inheritance: Autosomal recessive inheritance. Affected: no. Observed: 1 variant allele.

Natera, Inc.
Classification: Likely pathogenic for Multiple sulfatase deficiency. Last evaluated: 2025-05-15. Review status: criteria provided, single submitter. Criteria: Natera Variant Classification Schema (03/2026). Collection method: clinical testing. Allele origin: germline.
Comment: The c.1076C>A variant in SUMF1 is a nonsense variant predicted to introduce a stop codon at amino acid 359. This variant may result in a truncated or dysfunctional protein product. This variant is rare in the general population with a frequency below the threshold expected for the associated phenotype(s). This variant has been observed in one or more individuals affected with the associated recessive disease, as either homozygous or compound heterozygous with a second variant (PMID: 37870986, 12757705). Given the available evidence, this variant is classified as Likely Pathogenic.

Myriad Genetics, Inc.
Classification: Likely pathogenic for Multiple sulfatase deficiency. Last evaluated: 2025-03-07. Review status: criteria provided, single submitter. Criteria: Myriad Autosomal Dominant, Autosomal Recessive and X-Linked Classification Criteria (2023). Collection method: clinical testing. Allele origin: unknown.
Comment: NM_182760.3(SUMF1):c.1076C>A(S359*) is a nonsense variant classified as likely pathogenic in the context of multiple sulfatase deficiency. S359* has been observed in cases with relevant disease (PMID: 12757706, 37870986). Relevant functional assessments of this variant are not available in the literature. Internal structural analysis of the variant is supportive of pathogenicity. S359* has not been observed in referenced population frequency databases. In summary, NM_182760.3(SUMF1):c.1076C>A(S359*) is a nonsense variant that has internal structural support for pathogenicity and has been observed more frequently in cases with the relevant disease than in healthy populations. Please note: this variant was assessed in the context of healthy population screening.

OMIM
Classification: Pathogenic for MULTIPLE SULFATASE DEFICIENCY. Last evaluated: 2003-05-16. Review status: no assertion criteria provided. Collection method: literature only. Allele origin: germline. Not counted in ClinVar's aggregate classification.

Literature cited by the submitters: PubMed 37870986 (cited by Natera, Inc. and Myriad Genetics, Inc.); PubMed 12757705 (cited by Natera, Inc.); PubMed 12757706 (cited by Myriad Genetics, Inc. and OMIM).